The following is an entry in ClinVar:

ClinVar aggregate classification (germline): Likely pathogenic (1 of 4 stars; one submission).

Conditions:
Holocarboxylase synthetase deficiency. Also called: MULTIPLE CARBOXYLASE DEFICIENCY, EARLY ONSET. Identifiers: Orphanet 79242, MedGen C0268581, MONDO:0009666, OMIM 253270.

Submission:

Labcorp Genetics (formerly Invitae), Labcorp
Classification: Likely pathogenic for Holocarboxylase synthetase deficiency. Last evaluated: 2019-09-07. Review status: criteria provided, single submitter. Criteria: Invitae Variant Classification Sherloc (09022015). Collection method: clinical testing. Allele origin: germline.
Comment: This variant has not been reported in the literature in individuals with HLCS-related conditions. This variant is not present in population databases (ExAC no frequency). This variant results in the deletion of part of exon 11 (c.1796-56_1814del) of the HLCS gene. It is expected to disrupt RNA splicing and likely results in an absent or disrupted protein product. In summary, the currently available evidence indicates that the variant is pathogenic, but additional data are needed to prove that conclusively. Therefore, this variant has been classified as Likely Pathogenic. Loss-of-function variants in HLCS are known to be pathogenic (PMID: 16134170).

Literature cited by the submitters: PubMed 16134170.

NM_001352514.2(HLCS):c.2237-56_2255del

Gene: HLCS (holocarboxylase synthetase; minus strand). Cytogenetic location: 21q22.13.
Variant type: Deletion.
Coding change: c.2237-56_2255del on transcript NM_001352514.2 (MANE Select); 56 bases into the intron before coding-DNA position 2237 through coding-DNA position 2255, 75 bases deleted.
Molecular consequence: splice acceptor variant. On other transcripts: non-coding transcript variant (2).
Genome position (GRCh38, 1-based): chr21:36,756,737-36,756,811, 75 bases deleted. GRCh37 (hg19): chr21:38,129,038-38,129,112.
Other names: c.1796-56_1814del (NM_001352517.1, NM_001242785.2, NM_001352515.2 and 4 more transcripts).
Identifiers: ClinVar variation 1065956 (VCV001065956.7), dbSNP rs2145732111, ClinGen allele CA2499225888.